The following is an entry in ClinVar:

NM_000834.5(GRIN2B):c.3099C>A (p.Ser1033Arg)

Gene: GRIN2B (glutamate ionotropic receptor NMDA type subunit 2B; minus strand). Cytogenetic location: 12p13.1.
Variant type: single nucleotide variant.
Coding change: c.3099C>A on transcript NM_000834.5 (MANE Select); coding-DNA position 3099, C replaced by A.
Protein change: p.Ser1033Arg; replaces serine 1033 with arginine.
Molecular consequence: missense variant.
Genome position (GRCh38, 1-based): chr12:13,564,139, G>T on the plus strand (C>A on the coding strand, the complement: GRIN2B is on the minus strand). VCF-style: chr12-13564139-G-T. GRCh37 (hg19) VCF-style: chr12-13717073-G-T.
Other names: c.3099C>A, p.Ser1033Arg (NM_001413992.1); short protein forms S1033R.
Identifiers: ClinVar variation 3369691 (VCV003369691.1).

ClinVar aggregate classification (germline): Uncertain significance (1 of 4 stars; one submission).

Submission:

GeneDx
Classification: Uncertain significance. Last evaluated: 2024-03-10. Review status: criteria provided, single submitter. Criteria: GeneDx Variant Classification Process June 2021. Collection method: clinical testing. Allele origin: germline. Affected: yes.
Comment: Not observed at significant frequency in large population cohorts (gnomAD); In silico analysis supports that this missense variant has a deleterious effect on protein structure/function; Has not been previously published as pathogenic or benign to our knowledge